The following is an entry in ClinVar:

NM_014780.5(CUL7):c.416A>C (p.His139Pro)

Gene: CUL7 (cullin 7; minus strand). Cytogenetic location: 6p21.1.
Variant type: single nucleotide variant.
Coding change: c.416A>C on transcript NM_014780.5 (MANE Select); coding-DNA position 416, A replaced by C.
Protein change: p.His139Pro; replaces histidine 139 with proline.
Molecular consequence: missense variant.
Genome position (GRCh38, 1-based): chr6:43,052,373, T>G on the plus strand (A>C on the coding strand, the complement: CUL7 is on the minus strand). VCF-style: chr6-43052373-T-G. GRCh37 (hg19) VCF-style: chr6-43020111-T-G.
Other names: c.416A>C, p.His139Pro (NM_001168370.2, NM_001374872.1, NM_001374873.1 and 1 more transcripts); short protein forms H139P.
Identifiers: ClinVar variation 1960433 (VCV001960433.5), dbSNP rs774978921, ClinGen allele CA3814399.

ClinVar aggregate classification (germline): Uncertain significance (1 of 4 stars; one submission).

Allele frequency attached by ClinVar (database versions not stated): ExAC 0.00001; gnomAD exomes 0.00001.
gnomAD v4.1: 9 of 1,614,208 alleles (0.00056%); highest among the groups gnomAD compares: Non-Finnish European, 0.00076%; no homozygotes.

Submission:

Labcorp Genetics (formerly Invitae), Labcorp
Classification: Uncertain significance. Last evaluated: 2022-08-16. Review status: criteria provided, single submitter. Criteria: Invitae Variant Classification Sherloc (09022015). Collection method: clinical testing. Allele origin: germline.
Comment: This variant has not been reported in the literature in individuals affected with CUL7-related conditions. This variant is present in population databases (rs774978921, gnomAD 0.003%). This sequence change replaces histidine, which is basic and polar, with proline, which is neutral and non-polar, at codon 139 of the CUL7 protein (p.His139Pro). Algorithms developed to predict the effect of missense changes on protein structure and function are either unavailable or do not agree on the potential impact of this missense change (SIFT: "Deleterious"; PolyPhen-2: "Probably Damaging"; Align-GVGD: "Class C0"). In summary, the available evidence is currently insufficient to determine the role of this variant in disease. Therefore, it has been classified as a Variant of Uncertain Significance.